The following is an entry in ClinVar:

NM_000053.4(ATP7B):c.1127C>T (p.Ser376Phe)

Gene: ATP7B (ATPase copper transporting beta; minus strand). Cytogenetic location: 13q14.3.
Variant type: single nucleotide variant.
Coding change: c.1127C>T on transcript NM_000053.4 (MANE Select); coding-DNA position 1127, C replaced by T.
Protein change: p.Ser376Phe; replaces serine 376 with phenylalanine.
Molecular consequence: missense variant. On other transcripts: intron variant (1).
Genome position (GRCh38, 1-based): chr13:51,974,093, G>A on the plus strand (C>T on the coding strand, the complement: ATP7B is on the minus strand). VCF-style: chr13-51974093-G-A. GRCh37 (hg19) VCF-style: chr13-52548229-G-A.
Other names: c.1127C>T, p.Ser376Phe (NM_001005918.3, NM_001330578.2, NM_001330579.2); c.803-9C>T (NM_001243182.2); short protein forms S376F.
Identifiers: ClinVar variation 968172 (VCV000968172.13), dbSNP rs762995412, ClinGen allele CA6989436.

ClinVar aggregate classification (germline): Uncertain significance. Review status: criteria provided, multiple submitters, no conflicts (2 of 4 stars). 6 submissions from 6 submitters: Uncertain significance (5). 1 of the submissions does not count toward it. Last evaluated 2025-04-15.

Conditions:
ATP7B-related disorder. Also called: ATP7B-related condition.
Wilson disease (WND). Also called: Wilson's disease. Identifiers: Orphanet 905, MedGen C0019202, MONDO:0010200, OMIM 277900. Disease mechanism: loss of function.

Allele frequency attached by ClinVar (database versions not stated): TOPMed below 0.00001; ExAC 0.00001; gnomAD exomes 0.00001.
gnomAD v4.1: 20 of 1,614,002 alleles (0.0012%); highest among the groups gnomAD compares: Non-Finnish European, 0.0016%; no homozygotes.

Submissions (6):

PreventionGenetics, part of Exact Sciences
Classification: Uncertain significance for ATP7B-related condition. Last evaluated: 2025-04-15. Review status: criteria provided, single submitter. Criteria: ACMG Guidelines, 2015. Collection method: clinical testing. Allele origin: germline.
Comment: The ATP7B c.1127C>T variant is predicted to result in the amino acid substitution p.Ser376Phe. To our knowledge, this variant has not been reported in the literature. This variant is reported in 0.0065% of alleles in individuals of African descent in gnomAD. At this time, the clinical significance of this variant is uncertain due to the absence of conclusive functional and genetic evidence.

GeneDx
Classification: Uncertain significance. Last evaluated: 2025-01-27. Review status: criteria provided, single submitter. Criteria: GeneDx Variant Classification Process June 2021. Collection method: clinical testing. Allele origin: germline. Affected: yes.
Comment: Not observed at significant frequency in large population cohorts (gnomAD); In silico analysis supports that this missense variant has a deleterious effect on protein structure/function; Has not been previously published as pathogenic or benign to our knowledge

All of Us Research Program, National Institutes of Health
Classification: Uncertain significance for Wilson disease. Last evaluated: 2023-11-20. Review status: criteria provided, single submitter. Criteria: ACMG Guidelines, 2015. Collection method: clinical testing. Allele origin: germline. Inheritance: Autosomal recessive inheritance. Observed: 2 variant alleles, 2 heterozygotes.
Comment: This missense variant replaces serine with phenylalanine at codon 376 of the ATP7B protein. Computational prediction is inconclusive regarding the impact of this variant on protein structure and function (internally defined REVEL score threshold 0.5 < inconclusive < 0.7, PMID: 27666373). To our knowledge, functional studies have not been reported for this variant. This variant has not been reported in individuals affected with ATP7B-related disorders in the literature. This variant has been identified in 2/249526 chromosomes in the general population by the Genome Aggregation Database (gnomAD). The available evidence is insufficient to determine the role of this variant in disease conclusively. Therefore, this variant is classified as a Variant of Uncertain Significance.

This study involves interpretation of variants in research participants for the purpose of population health screening. Participant phenotype was not available at the time of variant classification. Additional details can be found in publication PMID: 35346344, PMCID: PMC8962531

Color Diagnostics, LLC DBA Color Health
Classification: Uncertain significance for Wilson disease. Last evaluated: 2023-07-20. Review status: criteria provided, single submitter. Criteria: ACMG Guidelines, 2015. Collection method: clinical testing. Allele origin: germline.
Comment: This missense variant replaces serine with phenylalanine at codon 376 of the ATP7B protein. Computational prediction is inconclusive regarding the impact of this variant on protein structure and function. To our knowledge, functional studies have not been reported for this variant. This variant has not been reported in individuals affected with ATP7B-related disorders in the literature. This variant has been identified in 2/249526 chromosomes in the general population by the Genome Aggregation Database (gnomAD). The available evidence is insufficient to determine the role of this variant in disease conclusively. Therefore, this variant is classified as a Variant of Uncertain Significance.

Labcorp Genetics (formerly Invitae), Labcorp
Classification: Uncertain significance for Wilson disease. Last evaluated: 2021-09-01. Review status: criteria provided, single submitter. Criteria: Invitae Variant Classification Sherloc (09022015). Collection method: clinical testing. Allele origin: germline.
Comment: This sequence change replaces serine with phenylalanine at codon 376 of the ATP7B protein (p.Ser376Phe). The serine residue is weakly conserved and there is a large physicochemical difference between serine and phenylalanine. This variant is present in population databases (rs762995412, ExAC 0.01%). This variant has not been reported in the literature in individuals affected with ATP7B-related conditions. Algorithms developed to predict the effect of missense changes on protein structure and function are either unavailable or do not agree on the potential impact of this missense change (SIFT: "Deleterious"; PolyPhen-2: "Probably Damaging"; Align-GVGD: "Class C15"). In summary, the available evidence is currently insufficient to determine the role of this variant in disease. Therefore, it has been classified as a Variant of Uncertain Significance.

Natera, Inc.
Classification: Uncertain significance for Wilson disease. Last evaluated: 2021-04-19. Review status: no assertion criteria provided. Collection method: clinical testing. Allele origin: germline. Not counted in ClinVar's aggregate classification.